The following is an entry in ClinVar:

NM_198576.4(AGRN):c.5285C>T (p.Pro1762Leu)

Gene: AGRN (agrin; plus strand). Cytogenetic location: 1p36.33.
Variant type: single nucleotide variant.
Coding change: c.5285C>T on transcript NM_198576.4 (MANE Select); coding-DNA position 5285, C replaced by T.
Protein change: p.Pro1762Leu; replaces proline 1762 with leucine.
Molecular consequence: missense variant.
Genome position (GRCh38, 1-based): chr1:1,051,284, C>T. VCF-style: chr1-1051284-C-T. GRCh37 (hg19) VCF-style: chr1-986664-C-T.
Other names: c.5297C>T, p.Pro1766Leu (NM_001305275.2); c.4982C>T, p.Pro1661Leu (NM_001364727.2); short protein forms P1661L, P1762L, P1766L.
Identifiers: ClinVar variation 859611 (VCV000859611.7), dbSNP rs764764048, ClinGen allele CA509979.

ClinVar aggregate classification (germline): Uncertain significance. Review status: criteria provided, multiple submitters, no conflicts (2 of 4 stars). 2 submissions from 2 submitters: Uncertain significance (2). Last evaluated 2022-09-13.

Conditions:
Congenital myasthenic syndrome 8. Also called: MYASTHENIC SYNDROME, CONGENITAL, DUE TO AGRIN DEFICIENCY; Myasthenic syndrome, congenital, 8, with pre- and postsynaptic defects. Identifiers: Orphanet 590, MedGen C3808739, MONDO:0014052, OMIM 615120.

Allele frequency attached by ClinVar (database versions not stated): gnomAD 0.00002 and 0.00003; gnomAD exomes 0.00003; TOPMed 0.00004; ExAC 0.00007.
gnomAD v4.1: 38 of 1,577,988 alleles (0.0024%); highest among the groups gnomAD compares: South Asian, 0.013%; 1 homozygote.

Submissions (2):

Labcorp Genetics (formerly Invitae), Labcorp
Classification: Uncertain significance for Congenital myasthenic syndrome 8. Last evaluated: 2022-09-13. Review status: criteria provided, single submitter. Criteria: Invitae Variant Classification Sherloc (09022015). Collection method: clinical testing. Allele origin: germline.
Comment: This sequence change replaces proline, which is neutral and non-polar, with leucine, which is neutral and non-polar, at codon 1762 of the AGRN protein (p.Pro1762Leu). The frequency data for this variant in the population databases is considered unreliable, as metrics indicate poor data quality at this position in the gnomAD database. This variant has not been reported in the literature in individuals affected with AGRN-related conditions. ClinVar contains an entry for this variant (Variation ID: 859611). Algorithms developed to predict the effect of missense changes on protein structure and function are either unavailable or do not agree on the potential impact of this missense change (SIFT: "Deleterious"; PolyPhen-2: "Probably Damaging"; Align-GVGD: "Class C0"). In summary, the available evidence is currently insufficient to determine the role of this variant in disease. Therefore, it has been classified as a Variant of Uncertain Significance.

Breakthrough Genomics
Classification: Uncertain significance. Review status: criteria provided, single submitter. Criteria: ACMG Guidelines, 2015. Collection method: not provided. Allele origin: germline. Inheritance: Autosomal recessive inheritance. Affected: yes.